The following is an entry in ClinVar:

ClinVar aggregate classification (germline): Conflicting classifications of pathogenicity. Review status: criteria provided, conflicting classifications (1 of 4 stars). 10 submissions from 10 submitters: Pathogenic (5); Likely pathogenic (4); Uncertain significance (1). Last evaluated 2025-06-26.

Conditions:
Inborn genetic diseases. Identifiers: MedGen C0950123, MeSH D030342.
PKD1-related disorder. Also called: PKD1-related condition.
Polycystic kidney disease, adult type (PKD1). Also called: Polycystic Kidney Disease 1, Autosomal Dominant; Polycystic kidney disease 1; Polycystic kidney disease 1, severe; POLYCYSTIC KIDNEY DISEASE 1 WITH OR WITHOUT POLYCYSTIC LIVER DISEASE; POLYCYSTIC KIDNEY DISEASE, ADULT, TYPE I; Polycystic Kidney, Autosomal Dominant. Identifiers: MedGen C3149841, MONDO:0008263, OMIM 173900.

Allele frequency attached by ClinVar (database versions not stated): gnomAD exomes below 0.00001.
gnomAD v4.1: 2 of 1,605,838 alleles (0.00012%); highest among the groups gnomAD compares: Non-Finnish European, 0.00017%; no homozygotes.

Submissions (10):

Ambry Genetics
Classification: Pathogenic for Inborn genetic diseases. Last evaluated: 2025-06-26. Review status: criteria provided, single submitter. Criteria: Ambry Variant Classification Scheme 2023. Collection method: clinical testing. Allele origin: germline.
Comment: The c.11255G>A (p.R3752Q) alteration is located in exon 39 (coding exon 39) of the PKD1 gene. This alteration results from a G to A substitution at nucleotide position 11255, causing the arginine (R) at amino acid position 3752 to be replaced by a glutamine (Q). This variant was not reported in population-based cohorts in the Genome Aggregation Database (gnomAD). This variant was reported in individual(s) with features consistent with polycystic kidney disease (Benson, 2021; Jayasinghe, 2021; Hwang, 2016; Carrera, 2016; Cornec-Le Gall, 2013; Stekrova, 2009; Rossetti, 2007; Kim, 2019; external communication). Note, this variant is also referred to as p.R2753Q c.11258G>A in the literature. This amino acid position is highly conserved in available vertebrate species. The in silico prediction for this alteration is inconclusive. Based on the available evidence, this alteration is classified as pathogenic.

Women's Health and Genetics/Laboratory Corporation of America, LabCorp
Classification: Pathogenic for Polycystic kidney disease, adult type. Last evaluated: 2025-04-24. Review status: criteria provided, single submitter. Criteria: LabCorp Variant Classification Summary - May 2015. Collection method: clinical testing. Allele origin: germline.
Comment: Variant summary: PKD1 c.11258G>A (p.Arg3753Gln) results in a conservative amino acid change located in the Polycystin domain (IPR046791) of the encoded protein sequence. Four of five in-silico tools predict a damaging effect of the variant on protein function. The variant was absent in 246840 control chromosomes. c.11258G>A, at a heterozygous state, has been observed in multiple individual(s) affected with Autosomal dominant Polycystic Kidney Disease (example: Rossetti_2007, Cornec-LeGall_2013, Domingo-Gallego_2021, Jayasinghe_2021, Lindemann_2023, Kim_2019, Benson_2021). These data indicate that the variant is likely to be associated with disease. A different variant affecting the same codon has been classified as pathogenic by our lab (c.11257C>T, p.Arg3753Trp), supporting the critical relevance of codon 3753 to PKD1 protein function. One publication reports experimental evidence evaluating an impact on protein function, however, does not allow convincing conclusions about the variant effect (Gonzalez-Paredes_2014). The following publications have been ascertained in the context of this evaluation (PMID: 33454723, 23431072, 33532864, 24907393, 32939031, 31740684, 36938073, 17582161). ClinVar contains an entry for this variant (Variation ID: 440120). Based on the evidence outlined above, the variant was classified as pathogenic.

CeGaT Center for Human Genetics Tuebingen
Classification: Likely pathogenic. Last evaluated: 2025-04-01. Review status: criteria provided, single submitter. Criteria: CeGaT Center For Human Genetics Tuebingen Variant Classification Criteria Version 2. Collection method: clinical testing. Allele origin: germline. Affected: yes. Observed: 1 variant allele.
Comment: PKD1: PM1, PM2, PM5, PS4:Moderate

GeneDx
Classification: Likely pathogenic. Last evaluated: 2024-12-27. Review status: criteria provided, single submitter. Criteria: GeneDx Variant Classification Process June 2021. Collection method: clinical testing. Allele origin: germline. Affected: yes.
Comment: Not observed at significant frequency in large population cohorts (gnomAD); In silico analysis supports that this missense variant has a deleterious effect on protein structure/function; This variant is associated with the following publications: (PMID: 31740684, 24907393, 10729710, 23431072, 19686598, 22508176, 17582161, 27499327, 33454723, 32939031, 33532864, 36938073)

ARUP Laboratories, Molecular Genetics and Genomics, ARUP Laboratories
Classification: Likely pathogenic. Last evaluated: 2024-10-16. Review status: criteria provided, single submitter. Criteria: ARUP Molecular Germline Variant Investigation Process 2024. Collection method: clinical testing. Allele origin: germline.
Comment: The PKD1 c.11758G>A; p.Arg3753Gln variant (rs1555446330, ClinVar Variation ID: 440120) has been reported in multiple individuals diagnosed with autosomal dominant polycystic kidney disease (ADPKD; Benson 2021, Carrera 2016, Cornec-Le Gall 2013, Domingo-Gallego 2022, Kim 2019, Rossetti 2007, Stekrova 2009). This variant is absent from the Genome Aggregation Database (v2.1.1), indicating it is not a common polymorphism. Additionally, another variant at this codon (c.11257C>T, p.Arg3753Trp) has been reported in multiple individuals with ADPKD, and is considered likely pathogenic (Audrezet 2012, Cornec-Le Gall 2013, Rossetti 2007). Computational analyses predict that this variant is deleterious (REVEL: 0.700). Based on available information, including its prevalence in affected individuals, this variant is considered to be likely pathogenic. References: Audrezet M et al. Autosomal dominant polycystic kidney disease: comprehensive mutation analysis of PKD1 and PKD2 in 700 unrelated patients. Hum Mutat. 2012; 33(8):1239-50. PMID: 22508176. Benson KA et al. The genetic landscape of polycystic kidney disease in Ireland. Eur J Hum Genet. 2021 May;29(5):827-838. PMID: 33454723. Carrera P et al. Deciphering Variability of PKD1 and PKD2 in an Italian Cohort of 643 Patients with Autosomal Dominant Polycystic Kidney Disease (ADPKD). Sci Rep. 2016 Aug 8;6:30850. PMID: 27499327. Cornec-Le Gall E et al. Type of PKD1 mutation influences renal outcome in ADPKD. J Am Soc Nephrol. 2013; 24(6):1006-13. PMID: 23431072. Domingo-Gallego A et al. Clinical utility of genetic testing in early-onset kidney disease: seven genes are the main players. Nephrol Dial Transplant. 2022 Mar 25;37(4):687-696. PMID: 33532864. Kim H et al. Genetic Characteristics of Korean Patients with Autosomal Dominant Polycystic Kidney Disease by Targeted Exome Sequencing. Sci Rep. 2019 Nov 18;9(1):16952. PMID: 31740684. Rossetti S et al. Comprehensive molecular diagnostics in autosomal dominant polycystic kidney disease. J Am Soc Nephrol. 2007; 18(7):2143-60. PMID: 17582161. Jayasinghe K et al. Clinical impact of genomic testing in patients with suspected monogenic kidney disease. Genet Med. 2021 Jan;23(1):183-191. PMID: 32939031. Stekrova J et al. New mutations in the PKD1 gene in Czech population with autosomal dominant polycystic kidney disease. BMC Med Genet. 2009 Aug 17;10:78. PMID: 19686598.

Victorian Clinical Genetics Services, Murdoch Childrens Research Institute
Classification: Pathogenic for Polycystic kidney disease, adult type. Last evaluated: 2024-10-08. Review status: criteria provided, single submitter. Criteria: ACMG Guidelines, 2015. Collection method: clinical testing. Allele origin: germline. Inheritance: Autosomal dominant inheritance. Affected: yes.
Comment: Based on the classification scheme VCGS_Germline_v1.3.4, this variant is classified as Pathogenic. Following criteria are met: 0102 - Loss of function is a known mechanism of disease in this gene and is associated with polycystic kidney disease 1 (MIM#173900). (I) 0107 - This gene is associated with autosomal dominant disease. Polycystic kidney disease 1 (MIM#173900) is predominantly caused by monoallelic variants, with rare reports of biallelic variants causing disease (OMIM). (I) 0200 - Variant is predicted to result in a missense amino acid change from arginine to glutamine. (I) 0251 - This variant is heterozygous. (I) 0301 - Variant is absent from gnomAD (both v2 and v3). (SP) 0502 - Missense variant with conflicting in silico predictions and uninformative conservation. (I) 0600 - Variant is located in the annotated polycystin domain (DECIPHER). (I) 0701 - Other missense variants comparable to the one identified in this case have very strong previous evidence for pathogenicity. p.(Arg3753Gly) and p.(Arg3753Trp) have been classified as likely pathogenic and pathogenic in ClinVar, and p.(Arg3753Trp) has been observed in individuals with polycystic kidney disease (PMID: 26453610, 17582161, 22508176). (SP) 0801 - This variant has strong previous evidence of pathogenicity in unrelated individuals. This variant has been classified as pathogenic or likely pathogenic by multiple clinical laboratories in ClinVar and LOVD, and has been observed in multiple unrelated heterozygous individuals with polycystic kidney disease (PMID: 17582161, 27499327, 26453610, 22508176, 19686598, 33532864). (SP) 1208 - Inheritance information for this variant is not currently available in this individual. (I) Legend: (SP) - Supporting pathogenic, (I) - Information, (SB) - Supporting benign

Blueprint Genetics
Classification: Pathogenic for PKD1-related disorders. Last evaluated: 2024-08-28. Review status: criteria provided, single submitter. Criteria: ACMG Guidelines, 2015. Collection method: clinical testing. Allele origin: germline. Affected: yes. Observed: 4 variant alleles.

PreventionGenetics, part of Exact Sciences
Classification: Pathogenic for PKD1-related condition. Last evaluated: 2023-08-19. Review status: criteria provided, single submitter. Criteria: ACMG Guidelines, 2015. Collection method: clinical testing. Allele origin: germline.
Comment: The PKD1 c.11258G>A variant is predicted to result in the amino acid substitution p.Arg3753Gln. Multiple different substitutions at the same codon, including p.Arg3753Gln, have been reported to be causative for autosomal dominant polycystic kidney disease (ADPKD) (see p.Arg3753Gln for example at at Rossetti et al. 2012. PubMed ID: 22383692 and Suppl. Table 3 of Benson et al. 2021. PubMed ID: 33454723; Human Gene Mutation Database - HGMD). This variant has not been reported in a large population database, indicating this variant is rare. This variant is interpreted as pathogenic.

Cavalleri Lab, Royal College of Surgeons in Ireland
Classification: Uncertain significance for Polycystic kidney disease, adult type. Last evaluated: 2020-02-05. Review status: criteria provided, single submitter. Criteria: ACMG Guidelines, 2015. Collection method: research. Allele origin: unknown. Inheritance: Autosomal dominant inheritance. Affected: yes.
Comment: PM2, PP3, PP4, PP5

Molecular Biology Laboratory, Fundació Puigvert
Classification: Likely pathogenic for Polycystic kidney disease, adult type. Last evaluated: 2020-02-01. Review status: criteria provided, single submitter. Criteria: ACMG Guidelines, 2015. Collection method: research. Allele origin: germline. Affected: yes. Study: KidneyPanel_2020.

Literature cited by the submitters: PubMed 17582161 (cited by 3 submitters); PubMed 19686598 (cited by Ambry Genetics and Victorian Clinical Genetics Services, Murdoch Childrens Research Institute); PubMed 23431072 (cited by Ambry Genetics and Women's Health and Genetics/Laboratory Corporation of America, LabCorp); PubMed 26453610 (cited by Ambry Genetics and Victorian Clinical Genetics Services, Murdoch Childrens Research Institute); PubMed 27499327 (cited by Ambry Genetics and Victorian Clinical Genetics Services, Murdoch Childrens Research Institute); PubMed 31740684 (cited by Ambry Genetics and Women's Health and Genetics/Laboratory Corporation of America, LabCorp); PubMed 32939031 (cited by Ambry Genetics and Women's Health and Genetics/Laboratory Corporation of America, LabCorp); PubMed 33454723 (cited by Ambry Genetics and Women's Health and Genetics/Laboratory Corporation of America, LabCorp); PubMed 33532864 (cited by 3 submitters); PubMed 36938073 (cited by Women's Health and Genetics/Laboratory Corporation of America, LabCorp); PubMed 24907393 (cited by Women's Health and Genetics/Laboratory Corporation of America, LabCorp); PubMed 22508176 (cited by Victorian Clinical Genetics Services, Murdoch Childrens Research Institute).

NM_001009944.3(PKD1):c.11258G>A (p.Arg3753Gln)

Genes: PKD1 (polycystin 1, transient receptor potential channel interacting; minus strand), PKD1-AS1 (PKD1 antisense RNA 1; plus strand). Cytogenetic location: 16p13.3.
Variant type: single nucleotide variant.
Coding change: c.11258G>A on transcript NM_001009944.3 (MANE Select); coding-DNA position 11258, G replaced by A.
Protein change: p.Arg3753Gln; replaces arginine 3753 with glutamine.
Molecular consequence: missense variant.
Genome position (GRCh38, 1-based): chr16:2,092,491, C>T on the plus strand (G>A on the coding strand, the complement: PKD1 is on the minus strand). VCF-style: chr16-2092491-C-T. GRCh37 (hg19) VCF-style: chr16-2142492-C-T.
Other names: c.11255G>A, p.Arg3752Gln (NM_000296.4); short protein forms R3752Q, R3753Q.
Identifiers: ClinVar variation 440120 (VCV000440120.35), dbSNP rs1555446330, ClinGen allele CA394336134.
Genomic context (GRCh38, chr16:2,092,491, plus strand): 5'-CTCAACAAGAGGAACGATTTAAGTCTTGGGGCACGCCCTGCCAGCTCACCTTCCTGCAGC[C>T]GCACCTGCCGCAGCCGTGGGGGCCCCAGCTCTGGGCTGGACTGGTTCCCGTGGACGTAGG-3'
Protein context (NP_001009944.3, residues 3743-3763): ELGPPRLRQV[Arg3753Gln]LQEALYPDPP